The following is an entry in ClinVar:

ClinVar aggregate classification (germline): Uncertain significance (1 of 4 stars; one submission).

Submission:

CeGaT Center for Human Genetics Tuebingen
Classification: Uncertain significance. Last evaluated: 2026-06-01. Review status: criteria provided, single submitter. Criteria: CeGaT Center For Human Genetics Tuebingen Variant Classification Criteria Version 2. Collection method: clinical testing. Allele origin: germline. Affected: yes. Observed: 1 variant allele.
Comment: HERC2: PM2, BP4

NM_004667.6(HERC2):c.4809+5A>G

Gene: HERC2 (HECT and RLD domain containing E3 ubiquitin protein ligase 2; minus strand). Cytogenetic location: 15q13.1.
Variant type: single nucleotide variant.
Coding change: c.4809+5A>G on transcript NM_004667.6 (MANE Select); 5 bases into the intron after coding-DNA position 4809, A replaced by G.
Molecular consequence: intron variant.
Genome position (GRCh38, 1-based): chr15:28,230,362, T>C on the plus strand (A>G on the coding strand, the complement: HERC2 is on the minus strand). VCF-style: chr15-28230362-T-C. GRCh37 (hg19) VCF-style: chr15-28475508-T-C.
Identifiers: ClinVar variation 4872048 (VCV004872048.2).